The following is an entry in ClinVar:

NC_000002.12:g.178650275T>C

Gene: TTN (titin; minus strand). Cytogenetic location: 2q31.2.
Variant type: single nucleotide variant.
Molecular consequence: intron variant (on NM_001267550.2).
Genome position: GRCh38 VCF-style: chr2-178650275-T-C. GRCh37 (hg19) VCF-style: chr2-179515002-T-C.
Other names: c.39710-4A>G (NM_001267550.2); c.13283-7958A>G (NM_003319.4); c.13859-7958A>G (NM_133437.4); c.13658-7958A>G (NM_133432.3); c.32408-4A>G (NM_133378.4); c.35189-4A>G (NM_001256850.1).
Identifiers: ClinVar variation 513576 (VCV000513576.12), dbSNP rs781589169, ClinGen allele CA1996612.

ClinVar aggregate classification (germline): Likely benign. Review status: criteria provided, multiple submitters, no conflicts (2 of 4 stars). 2 submissions from 2 submitters: Likely benign (2). Last evaluated 2025-08-25.

Conditions:
Autosomal recessive limb-girdle muscular dystrophy type 2J (LGMDR10). Also called: MUSCULAR DYSTROPHY, LIMB-GIRDLE, AUTOSOMAL RECESSIVE 10; Limb-girdle muscular dystrophy, type 2J. Identifiers: Orphanet 140922, MedGen C1837342, MONDO:0012127, OMIM 608807.
Dilated cardiomyopathy 1G (CMD1G). Identifiers: Orphanet 154, MedGen C1858763, MONDO:0011400, OMIM 604145.

Allele frequency attached by ClinVar (database versions not stated): ExAC below 0.00001; gnomAD exomes below 0.00001 and 0.00001; gnomAD 0.00004; TOPMed 0.00004.
gnomAD v4.1: 8 of 1,557,984 alleles (0.00051%); highest among the groups gnomAD compares: African/African-American, 0.0096%; no homozygotes.

Submissions (2):

Labcorp Genetics (formerly Invitae), Labcorp
Classification: Likely benign for Dilated cardiomyopathy 1G; Autosomal recessive limb-girdle muscular dystrophy type 2J. Last evaluated: 2025-08-25. Review status: criteria provided, single submitter. Criteria: Invitae Variant Classification Sherloc (09022015). Collection method: clinical testing. Allele origin: germline.

GeneDx
Classification: Likely benign. Last evaluated: 2017-11-15. Review status: criteria provided, single submitter. Criteria: GeneDx Variant Classification (06012015). Collection method: clinical testing. Allele origin: germline. Affected: yes.
Comment: This variant is considered likely benign or benign based on one or more of the following criteria: it is a conservative change, it occurs at a poorly conserved position in the protein, it is predicted to be benign by multiple in silico algorithms, and/or has population frequency not consistent with disease.